The following is an entry in ClinVar:

NM_001018115.3(FANCD2):c.2904G>A (p.Leu968=)

Genes: FANCD2 (FA complementation group D2; plus strand), LOC107303338 (3p25 FANCD2 Alu-mediated recombination region; plus strand). Cytogenetic location: 3p25.3.
Variant type: single nucleotide variant.
Coding change: c.2904G>A on transcript NM_001018115.3 (MANE Select); coding-DNA position 2904, G replaced by A.
Protein change: p.Leu968=; no amino-acid change (leucine 968 retained).
Molecular consequence: synonymous variant.
Genome position (GRCh38, 1-based): chr3:10,078,125, G>A. VCF-style: chr3-10078125-G-A. GRCh37 (hg19) VCF-style: chr3-10119809-G-A.
Other names: c.2904G>A, p.Leu968= (NM_001319984.2, NM_001374254.1, NM_033084.6); c.2793G>A, p.Leu931= (NM_001374253.1).
Identifiers: ClinVar variation 4998640 (VCV004998640.1).

ClinVar aggregate classification (germline): Likely benign (1 of 4 stars; one submission).

Conditions:
FANCD2-related disorder. Also called: FANCD2-related condition.

gnomAD v4.1: 1 of 1,613,802 alleles (0.000062%); highest among the groups gnomAD compares: African/African-American, 0.0013%; no homozygotes.

Submission:

PreventionGenetics, part of Exact Sciences
Classification: Likely benign for FANCD2-related condition. Last evaluated: 2025-05-03. Review status: criteria provided, single submitter. Criteria: ACMG Guidelines, 2015. Collection method: clinical testing. Allele origin: germline.
Comment: This variant is classified as likely benign based on ACMG/AMP sequence variant interpretation guidelines (Richards et al. 2015 PMID: 25741868, with internal and published modifications).